The following is an entry in ClinVar:

ClinVar aggregate classification (germline): Benign/Likely benign. Review status: criteria provided, multiple submitters, no conflicts (2 of 4 stars). 4 submissions from 4 submitters: Benign (1); Likely benign (3). Last evaluated 2025-07-31.

Conditions:
Inborn genetic diseases. Identifiers: MedGen C0950123, MeSH D030342.
RAB39B-related disorder. Also called: RAB39B-related condition.

Allele frequency attached by ClinVar (database versions not stated): gnomAD 0.00005; TOPMed 0.00008.
gnomAD v4.1: 107 of 1,210,642 alleles (0.0088%); highest among the groups gnomAD compares: Admixed American, 0.22%; no homozygotes.

Submissions (4):

PreventionGenetics, part of Exact Sciences
Classification: Likely benign for RAB39B-related condition. Last evaluated: 2025-07-31. Review status: criteria provided, single submitter. Criteria: ACMG Guidelines, 2015. Collection method: clinical testing. Allele origin: germline.
Comment: This variant is classified as likely benign based on ACMG/AMP sequence variant interpretation guidelines (Richards et al. 2015 PMID: 25741868, with internal and published modifications).

Mayo Clinic Laboratories, Mayo Clinic
Classification: Likely benign. Last evaluated: 2025-05-09. Review status: criteria provided, single submitter. Criteria: ACMG Guidelines, 2015. Collection method: clinical testing. Allele origin: germline. Observed: 1 variant allele.
Comment: BS1, BP4, BP7

Labcorp Genetics (formerly Invitae), Labcorp
Classification: Benign. Last evaluated: 2025-02-13. Review status: criteria provided, single submitter. Criteria: Invitae Variant Classification Sherloc (09022015). Collection method: clinical testing. Allele origin: germline.

Ambry Genetics
Classification: Likely benign for Inborn genetic diseases. Last evaluated: 2016-08-04. Review status: criteria provided, single submitter. Criteria: Ambry Variant Classification Scheme 2023. Collection method: clinical testing. Allele origin: germline.

NM_171998.4(RAB39B):c.126G>T (p.Gly42=)

Gene: RAB39B (RAB39B, member RAS oncogene family; minus strand). Cytogenetic location: Xq28.
Variant type: single nucleotide variant.
Coding change: c.126G>T on transcript NM_171998.4 (MANE Select); coding-DNA position 126, G replaced by T.
Protein change: p.Gly42=; no amino-acid change (glycine 42 retained).
Molecular consequence: synonymous variant.
Genome position (GRCh38, 1-based): chrX:155,264,163, C>A on the plus strand (G>T on the coding strand, the complement: RAB39B is on the minus strand). VCF-style: chrX-155264163-C-A. GRCh37 (hg19) VCF-style: chrX-154493448-C-A.
Other names: p.Gly42=.
Identifiers: ClinVar variation 587961 (VCV000587961.11), dbSNP rs781889889, ClinGen allele CA10569245.